The following is an entry in ClinVar:

ClinVar aggregate classification (germline): Benign/Likely benign. Review status: criteria provided, multiple submitters, no conflicts (2 of 4 stars). 8 submissions from 8 submitters: Benign (4); Likely benign (3). 1 of the submissions does not count toward it. Last evaluated 2026-03-15.

Conditions:
KCNJ5-related disorder. Also called: KCNJ5-related condition.
Cardiovascular phenotype. Identifiers: MedGen CN230736.
Long QT syndrome (LQTS). Identifiers: MedGen C0023976, MeSH D008133, MONDO:0002442. Disease mechanism: loss of function. Inheritance: Various modes of inheritance.
Familial hyperaldosteronism type III. Also called: FH III; Familial hyperaldosteronism type 3. Identifiers: Orphanet 251274, MedGen C3838758, MONDO:0013359, OMIM 613677.

Allele frequency attached by ClinVar (database versions not stated): gnomAD 0.00051 and 0.00066; ExAC 0.00101; gnomAD exomes 0.00105; 1000 Genomes Project 0.00200; 1000 Genomes Project 30x 0.00203.

Submissions (8):

Women's Health and Genetics/Laboratory Corporation of America, LabCorp
Classification: Benign. Last evaluated: 2026-03-15. Review status: criteria provided, single submitter. Criteria: LabCorp Variant Classification Summary - May 2015. Collection method: clinical testing. Allele origin: germline.

Labcorp Genetics (formerly Invitae), Labcorp
Classification: Benign for Long QT syndrome. Last evaluated: 2026-02-02. Review status: criteria provided, single submitter. Criteria: Invitae Variant Classification Sherloc (09022015). Collection method: clinical testing. Allele origin: germline.

Blueprint Genetics
Classification: Likely benign. Last evaluated: 2024-10-15. Review status: criteria provided, single submitter. Criteria: ACMG Guidelines, 2015. Collection method: clinical testing. Allele origin: germline.

Illumina Laboratory Services, Illumina
Classification: Benign for Familial hyperaldosteronism type III. Last evaluated: 2018-01-13. Review status: criteria provided, single submitter. Criteria: ICSL Variant Classification Criteria 13 December 2019. Collection method: clinical testing. Allele origin: germline.
Comment: This variant was observed in the ICSL laboratory as part of a predisposition screen in an ostensibly healthy population. It had not been previously curated by ICSL or reported in the Human Gene Mutation Database (HGMD: prior to June 1st, 2018), and was therefore a candidate for classification through an automated scoring system. Utilizing variant allele frequency, disease prevalence and penetrance estimates, and inheritance mode, an automated score was calculated to assess if this variant is too frequent to cause the disease. Based on the score and internal cut-off values, a variant classified as benign is not then subjected to further curation. The score for this variant resulted in a classification of benign for this disease.

Ambry Genetics
Classification: Likely benign for Cardiovascular phenotype. Last evaluated: 2017-10-12. Review status: criteria provided, single submitter. Criteria: Ambry Variant Classification Scheme 2023. Collection method: clinical testing. Allele origin: germline.

GeneDx
Classification: Benign. Last evaluated: 2016-08-01. Review status: criteria provided, single submitter. Criteria: GeneDx Variant Classification (06012015). Collection method: clinical testing. Allele origin: germline. Affected: yes.
Comment: This variant is considered likely benign or benign based on one or more of the following criteria: it is a conservative change, it occurs at a poorly conserved position in the protein, it is predicted to be benign by multiple in silico algorithms, and/or has population frequency not consistent with disease.

Breakthrough Genomics
Classification: Likely benign. Review status: criteria provided, single submitter. Criteria: ACMG Guidelines, 2015. Collection method: not provided. Allele origin: germline. Inheritance: Autosomal dominant inheritance. Affected: yes.

PreventionGenetics, part of Exact Sciences
Classification: Benign for KCNJ5-related condition. Last evaluated: 2024-07-03. Review status: no assertion criteria provided. Collection method: clinical testing. Allele origin: germline. Not counted in ClinVar's aggregate classification.
Comment: This variant is classified as benign based on ACMG/AMP sequence variant interpretation guidelines (Richards et al. 2015 PMID: 25741868, with internal and published modifications).

NM_000890.5(KCNJ5):c.957G>A (p.Arg319=)

Gene: KCNJ5 (potassium inwardly rectifying channel subfamily J member 5; plus strand). Cytogenetic location: 11q24.3.
Variant type: single nucleotide variant.
Coding change: c.957G>A on transcript NM_000890.5 (MANE Select); coding-DNA position 957, G replaced by A.
Protein change: p.Arg319=; no amino-acid change (arginine 319 retained).
Molecular consequence: synonymous variant.
Genome position (GRCh38, 1-based): chr11:128,916,428, G>A. VCF-style: chr11-128916428-G-A. GRCh37 (hg19) VCF-style: chr11-128786323-G-A.
Other names: c.957G>A (LRG_333t1); c.957G>A, p.Arg319= (NM_001354169.2).
Identifiers: ClinVar variation 215479 (VCV000215479.22), dbSNP rs192889782, ClinGen allele CA338272.